The following is an entry in ClinVar:

NM_001035.3(RYR2):c.14276C>A (p.Ser4759Ter)

Gene: RYR2 (ryanodine receptor 2; plus strand). Cytogenetic location: 1q43.
Variant type: single nucleotide variant.
Coding change: c.14276C>A on transcript NM_001035.3 (MANE Select); coding-DNA position 14276, C replaced by A.
Protein change: p.Ser4759Ter; replaces serine 4759 with a stop codon.
Molecular consequence: nonsense.
Genome position (GRCh38, 1-based): chr1:237,806,261, C>A. VCF-style: chr1-237806261-C-A. GRCh37 (hg19) VCF-style: chr1-237969561-C-A.
Other names: short protein forms S4759*.
Identifiers: ClinVar variation 3766400 (VCV003766400.1).

ClinVar aggregate classification (germline): Uncertain significance (1 of 4 stars; one submission).

Submission:

GeneDx
Classification: Uncertain significance. Last evaluated: 2024-09-03. Review status: criteria provided, single submitter. Criteria: GeneDx Variant Classification Process June 2021. Collection method: clinical testing. Allele origin: germline. Affected: yes.
Comment: Not observed at significant frequency in large population cohorts (gnomAD); Nonsense variant predicted to result in protein truncation or nonsense mediated decay in a gene or region of a gene for which loss of function is not a well-established mechanism of disease; Has not been previously published as pathogenic or benign to our knowledge